The following is an entry in ClinVar:

NM_003105.6(SORL1):c.4076G>A (p.Cys1359Tyr)

Gene: SORL1 (sortilin related receptor 1; plus strand). Cytogenetic location: 11q24.1.
Variant type: single nucleotide variant.
Coding change: c.4076G>A on transcript NM_003105.6 (MANE Select); coding-DNA position 4076, G replaced by A.
Protein change: p.Cys1359Tyr; replaces cysteine 1359 with tyrosine.
Molecular consequence: missense variant.
Genome position (GRCh38, 1-based): chr11:121,589,388, G>A. VCF-style: chr11-121589388-G-A. GRCh37 (hg19) VCF-style: chr11-121460097-G-A.
Other names: short protein forms C1359Y.
Identifiers: ClinVar variation 3656587 (VCV003656587.2).
Genomic context (GRCh38, chr11:121,589,388, plus strand): 5'-GTTTGATTTGGAAGTGCGACGGGATGGATGATTGCGGCGATTATTCTGATGAAGCCAACT[G>A]CGGTAAGATGTCCAGTCTGCCTCCTCACATCCTAATCCTCTAGTTAACAGTGATGCCTGC-3'
Protein context (NP_003096.2, residues 1349-1369): DCGDYSDEAN[Cys1359Tyr]ENPTEAPNCS

ClinVar aggregate classification (germline): Uncertain significance (1 of 4 stars; one submission).

Submission:

Labcorp Genetics (formerly Invitae), Labcorp
Classification: Uncertain significance. Last evaluated: 2024-06-13. Review status: criteria provided, single submitter. Criteria: Invitae Variant Classification Sherloc (09022015). Collection method: clinical testing. Allele origin: germline.
Comment: This sequence change replaces cysteine, which is neutral and slightly polar, with tyrosine, which is neutral and polar, at codon 1359 of the SORL1 protein (p.Cys1359Tyr). This variant is not present in population databases (gnomAD no frequency). This variant has not been reported in the literature in individuals affected with SORL1-related conditions. An algorithm developed to predict the effect of missense changes on protein structure and function (PolyPhen-2) suggests that this variant is likely to be disruptive. In summary, the available evidence is currently insufficient to determine the role of this variant in disease. Therefore, it has been classified as a Variant of Uncertain Significance.